The following is an entry in ClinVar:

ClinVar aggregate classification (germline): Pathogenic (1 of 4 stars; one submission).

Conditions:
Ellis-van Creveld syndrome (EVC). Also called: EVC-Related Ellis-van Creveld Syndrome; EVC2-Related Ellis-van Creveld Syndrome; MESOECTODERMAL DYSPLASIA; Chondroectodermal dysplasia. Identifiers: Orphanet 289, MedGen C0013903, MONDO:0009162, OMIM 225500.
Curry-Hall syndrome (WAD). Also called: WEYERS ACRODENTAL DYSOSTOSIS. Identifiers: Orphanet 952, MedGen C0457013, MONDO:0008673, OMIM 193530.

gnomAD v4.1: 6 of 1,613,646 alleles (0.00037%); highest among the groups gnomAD compares: African/African-American, 0.0013%; no homozygotes.

Submission:

Labcorp Genetics (formerly Invitae), Labcorp
Classification: Pathogenic for Curry-Hall syndrome; Ellis-van Creveld syndrome. Last evaluated: 2021-06-08. Review status: criteria provided, single submitter. Criteria: Invitae Variant Classification Sherloc (09022015). Collection method: clinical testing. Allele origin: germline.
Comment: This sequence change creates a premature translational stop signal (p.Ser1008*) in the EVC2 gene. It is expected to result in an absent or disrupted protein product. Loss-of-function variants in EVC2 are known to be pathogenic (PMID: 17024374, 19810119, 19876929). This variant is not present in population databases (ExAC no frequency). This variant has not been reported in the literature in individuals with EVC2-related conditions. For these reasons, this variant has been classified as Pathogenic.

Literature cited by the submitters: PubMed 17024374; PubMed 19810119; PubMed 19876929.

NM_147127.5(EVC2):c.3023C>A (p.Ser1008Ter)

Gene: EVC2 (EvC ciliary complex subunit 2; minus strand). Cytogenetic location: 4p16.2.
Variant type: single nucleotide variant.
Coding change: c.3023C>A on transcript NM_147127.5 (MANE Select); coding-DNA position 3023, C replaced by A.
Protein change: p.Ser1008Ter; replaces serine 1008 with a stop codon.
Molecular consequence: nonsense.
Genome position (GRCh38, 1-based): chr4:5,584,657, G>T on the plus strand (C>A on the coding strand, the complement: EVC2 is on the minus strand). VCF-style: chr4-5584657-G-T. GRCh37 (hg19) VCF-style: chr4-5586384-G-T.
Other names: c.2783C>A, p.Ser928Ter (NM_001166136.2); short protein forms S928*, S1008*.
Identifiers: ClinVar variation 1458669 (VCV001458669.7), dbSNP rs60809236, ClinGen allele CA356153760.